The following is an entry in ClinVar:

NM_018127.7(ELAC2):c.1659+2dup

Gene: ELAC2 (elaC ribonuclease Z 2; minus strand). Cytogenetic location: 17p12.
Variant type: Duplication.
Coding change: c.1659+2dup on transcript NM_018127.7 (MANE Select); the canonical splice donor site of the intron after coding-DNA position 1659, one base duplicated (T; older notation c.1659+2dupT).
Molecular consequence: splice donor variant.
Genome position (GRCh38, 1-based): chr17:12,996,545, A duplicated on the plus strand (T on the coding strand, the reverse complement: ELAC2 is on the minus strand). VCF-style (leftmost placement, unchanged base first): chr17-12996544-C-CA. GRCh37 (hg19) VCF-style: chr17-12899861-C-CA.
Other names: c.1539+2dup (NM_001165962.2); c.1656+2dup (NM_173717.2).
Identifiers: ClinVar variation 2120078 (VCV002120078.4), dbSNP rs2508240256, ClinGen allele CA2580092585.

ClinVar aggregate classification (germline): Uncertain significance (1 of 4 stars; one submission).

Conditions:
Combined oxidative phosphorylation defect type 17. Also called: Combined oxidative phosphorylation deficiency 17. Identifiers: Orphanet 369913, MedGen C3809526, MONDO:0014190, OMIM 615440.

Submission:

Labcorp Genetics (formerly Invitae), Labcorp
Classification: Uncertain significance for Combined oxidative phosphorylation defect type 17. Last evaluated: 2022-03-31. Review status: criteria provided, single submitter. Criteria: Invitae Variant Classification Sherloc (09022015). Collection method: clinical testing. Allele origin: germline.
Comment: This variant is not present in population databases (gnomAD no frequency). In summary, the available evidence is currently insufficient to determine the role of this variant in disease. Therefore, it has been classified as a Variant of Uncertain Significance. Variants that disrupt the consensus splice site are a relatively common cause of aberrant splicing (PMID: 17576681, 9536098). Algorithms developed to predict the effect of sequence changes on RNA splicing suggest that this variant may disrupt the consensus splice site. This variant has not been reported in the literature in individuals affected with ELAC2-related conditions. This sequence change falls in intron 17 of the ELAC2 gene. It does not directly change the encoded amino acid sequence of the ELAC2 protein. It affects a nucleotide within the consensus splice site.

Literature cited by the submitters: PubMed 17576681; PubMed 9536098.